The following is an entry in ClinVar:

ClinVar aggregate classification (germline): Uncertain significance. Review status: criteria provided, multiple submitters, no conflicts (2 of 4 stars). 2 submissions from 2 submitters: Uncertain significance (2). Last evaluated 2024-09-02.

Conditions:
Cardiovascular phenotype. Identifiers: MedGen CN230736.
Brugada syndrome. Also called: Sudden unexplained nocturnal death syndrome; Sudden unexpected nocturnal death syndrome; Sudden Unexplained Death Syndrome; Sudden Unexplained Nocturnal Death Syndrome (SUNDS). Identifiers: Orphanet 130, MedGen C1142166, MONDO:0015263.

Allele frequency attached by ClinVar (database versions not stated): gnomAD 0.00002; TOPMed 0.00002; ExAC 0.00004; gnomAD exomes 0.00004.
gnomAD v4.1: 81 of 1,614,028 alleles (0.005%); highest among the groups gnomAD compares: Middle Eastern, 0.066%; 1 homozygote.

Submissions (2):

Labcorp Genetics (formerly Invitae), Labcorp
Classification: Uncertain significance for Brugada syndrome. Last evaluated: 2024-09-02. Review status: criteria provided, single submitter. Criteria: Invitae Variant Classification Sherloc (09022015). Collection method: clinical testing. Allele origin: germline.
Comment: This sequence change replaces arginine, which is basic and polar, with histidine, which is basic and polar, at codon 1869 of the SCN10A protein (p.Arg1869His). This variant is present in population databases (rs765477377, gnomAD 0.009%). This missense change has been observed in individual(s) with small fibre neuropathy (PMID: 30554136). ClinVar contains an entry for this variant (Variation ID: 1401218). Invitae Evidence Modeling of protein sequence and biophysical properties (such as structural, functional, and spatial information, amino acid conservation, physicochemical variation, residue mobility, and thermodynamic stability) indicates that this missense variant is not expected to disrupt SCN10A protein function with a negative predictive value of 80%. In summary, the available evidence is currently insufficient to determine the role of this variant in disease. Therefore, it has been classified as a Variant of Uncertain Significance.

Ambry Genetics
Classification: Uncertain significance for Cardiovascular phenotype. Last evaluated: 2022-08-02. Review status: criteria provided, single submitter. Criteria: Ambry Variant Classification Scheme 2023. Collection method: clinical testing. Allele origin: germline.
Comment: The p.R1869H variant (also known as c.5606G>A), located in coding exon 27 of the SCN10A gene, results from a G to A substitution at nucleotide position 5606. The arginine at codon 1869 is replaced by histidine, an amino acid with highly similar properties. This amino acid position is well conserved in available vertebrate species. In addition, the in silico prediction for this alteration is inconclusive. The evidence for this gene-disease relationship is limited; therefore, the clinical significance of this alteration is unclear.

Literature cited by the submitters: PubMed 30554136 (cited by Labcorp Genetics (formerly Invitae), Labcorp).

NM_006514.4(SCN10A):c.5606G>A (p.Arg1869His)

Gene: SCN10A (sodium voltage-gated channel alpha subunit 10; minus strand). Cytogenetic location: 3p22.2.
Variant type: single nucleotide variant.
Coding change: c.5606G>A on transcript NM_006514.4 (MANE Select); coding-DNA position 5606, G replaced by A.
Protein change: p.Arg1869His; replaces arginine 1869 with histidine.
Molecular consequence: missense variant.
Genome position (GRCh38, 1-based): chr3:38,697,614, C>T on the plus strand (G>A on the coding strand, the complement: SCN10A is on the minus strand). VCF-style: chr3-38697614-C-T. GRCh37 (hg19) VCF-style: chr3-38739105-C-T.
Other names: c.5603G>A, p.Arg1868His (NM_001293306.2); c.5312G>A, p.Arg1771His (NM_001293307.2); short protein forms R1771H, R1868H, R1869H.
Identifiers: ClinVar variation 1401218 (VCV001401218.6), dbSNP rs765477377, ClinGen allele CA2319640.